The following is an entry in ClinVar:

ClinVar aggregate classification (germline): Uncertain significance. Review status: criteria provided, multiple submitters, no conflicts (2 of 4 stars). 2 submissions from 2 submitters: Uncertain significance (2). Last evaluated 2024-08-01.

Allele frequency attached by ClinVar (database versions not stated): gnomAD exomes below 0.00001.
gnomAD v4.1: 3 of 1,613,834 alleles (0.00019%); highest among the groups gnomAD compares: Non-Finnish European, 0.00025%; no homozygotes.

Submissions (2):

Women's Health and Genetics/Laboratory Corporation of America, LabCorp
Classification: Uncertain significance. Last evaluated: 2024-08-01. Review status: criteria provided, single submitter. Criteria: LabCorp Variant Classification Summary - May 2015. Collection method: clinical testing. Allele origin: germline.
Comment: Variant summary: POU1F1 c.698T>C (p.Phe233Ser) results in a non-conservative amino acid change located in the Homeodomain (IPR001356) of the encoded protein sequence. Five of five in-silico tools predict a damaging effect of the variant on protein function. The variant allele was found at a frequency of 4e-06 in 250570 control chromosomes. c.698T>C has been reported in the literature in the homozygous state in at least 1 individual affected with Combined Pituitary Hormone Deficiency (example, Lee_2011), however other causes were not ruled out. These report(s) do not provide unequivocal conclusions about association of the variant with Combined Pituitary Hormone Deficiency. At least one publication reports experimental evidence evaluating an impact on protein function. In vitro DNA binding activity was reduced to 4% of the wild type protein control (example, Liang_1995), however the transcriptional impact on target genes was not assessed in a cell line. ClinVar contains an entry for this variant (Variation ID: 2581801). Based on the evidence outlined above, the variant was classified as VUS-possibly pathogenic.

GeneDx
Classification: Uncertain significance. Last evaluated: 2023-03-27. Review status: criteria provided, single submitter. Criteria: GeneDx Variant Classification Process June 2021. Collection method: clinical testing. Allele origin: germline. Affected: yes.
Comment: In silico analysis supports that this missense variant has a deleterious effect on protein structure/function; Not observed at significant frequency in large population cohorts (gnomAD); This variant is associated with the following publications: (PMID: 34815942, 21316014)

Literature cited by the submitters: PubMed 34815942 (cited by Women's Health and Genetics/Laboratory Corporation of America, LabCorp); PubMed 21316014 (cited by Women's Health and Genetics/Laboratory Corporation of America, LabCorp); PubMed 7592721 (cited by Women's Health and Genetics/Laboratory Corporation of America, LabCorp).

NM_000306.4(POU1F1):c.698T>C (p.Phe233Ser)

Gene: POU1F1 (POU class 1 homeobox 1; minus strand). Cytogenetic location: 3p11.2.
Variant type: single nucleotide variant.
Coding change: c.698T>C on transcript NM_000306.4 (MANE Select); coding-DNA position 698, T replaced by C.
Protein change: p.Phe233Ser; replaces phenylalanine 233 with serine.
Molecular consequence: missense variant.
Genome position (GRCh38, 1-based): chr3:87,260,072, A>G on the plus strand (T>C on the coding strand, the complement: POU1F1 is on the minus strand). VCF-style: chr3-87260072-A-G. GRCh37 (hg19) VCF-style: chr3-87309222-A-G.
Other names: c.776T>C, p.Phe259Ser (NM_001122757.3); short protein forms F233S, F259S.
Identifiers: ClinVar variation 2581801 (VCV002581801.2), dbSNP rs1329413918, ClinGen allele CA353698364.